The following is an entry in ClinVar:

ClinVar aggregate classification (germline): Benign/Likely benign. Review status: criteria provided, multiple submitters, no conflicts (2 of 4 stars). 5 submissions from 5 submitters: Benign (2); Likely benign (3). Last evaluated 2026-01-27.

Conditions:
Spermatogenic failure 18. Identifiers: MedGen C4539783, MONDO:0054615, OMIM 617576.
Ciliary dyskinesia, primary, 37 (CILD37). Also called: CILIARY DYSKINESIA, PRIMARY, 37, WITH OR WITHOUT SITUS INVERSUS. Identifiers: MedGen C4539798, MONDO:0033204, OMIM 617577.

Allele frequency attached by ClinVar (database versions not stated): ESP Exome Variant Server 0.00278; TOPMed 0.00292; gnomAD 0.00302 and 0.00378; 1000 Genomes Project 30x 0.00703; 1000 Genomes Project 0.00779.
gnomAD v4.1: 9,027 of 1,613,646 alleles (0.56%); highest among the groups gnomAD compares: South Asian, 2.3%; 69 homozygotes.

Submissions (5):

Labcorp Genetics (formerly Invitae), Labcorp
Classification: Benign for Ciliary dyskinesia, primary, 37; Spermatogenic failure 18. Last evaluated: 2026-01-27. Review status: criteria provided, single submitter. Criteria: Invitae Variant Classification Sherloc (09022015). Collection method: clinical testing. Allele origin: germline.

ARUP Laboratories, Molecular Genetics and Genomics, ARUP Laboratories
Classification: Benign. Last evaluated: 2025-06-24. Review status: criteria provided, single submitter. Criteria: ARUP Molecular Germline Variant Investigation Process 2024. Collection method: clinical testing. Allele origin: germline.

Mayo Clinic Laboratories, Mayo Clinic
Classification: Likely benign. Last evaluated: 2024-12-03. Review status: criteria provided, single submitter. Criteria: ACMG Guidelines, 2015. Collection method: clinical testing. Allele origin: germline. Observed: 4 variant alleles.
Comment: BS1, BS2_supporting, BP4, BP7

GeneDx
Classification: Likely benign. Last evaluated: 2018-07-09. Review status: criteria provided, single submitter. Criteria: GeneDx Variant Classification Process June 2021. Collection method: clinical testing. Allele origin: germline. Affected: yes.

Breakthrough Genomics
Classification: Likely benign. Review status: criteria provided, single submitter. Criteria: ACMG Guidelines, 2015. Collection method: not provided. Allele origin: germline. Inheritance: Autosomal recessive inheritance. Affected: yes.

NM_015512.5(DNAH1):c.10422T>C (p.Leu3474=)

Gene: DNAH1 (dynein axonemal heavy chain 1; plus strand). Cytogenetic location: 3p21.1.
Variant type: single nucleotide variant.
Coding change: c.10422T>C on transcript NM_015512.5 (MANE Select); coding-DNA position 10422, T replaced by C.
Protein change: p.Leu3474=; no amino-acid change (leucine 3474 retained).
Molecular consequence: synonymous variant.
Genome position (GRCh38, 1-based): chr3:52,392,973, T>C. VCF-style: chr3-52392973-T-C. GRCh37 (hg19) VCF-style: chr3-52426989-T-C.
Other names: p.Leu3474=.
Identifiers: ClinVar variation 478383 (VCV000478383.21), dbSNP rs148913561, ClinGen allele CA2435831.
Genomic context (GRCh38, chr3:52,392,973, plus strand): 5'-GATCCTCTTCTTCTGTGTGTCCGACCTGGCCAACGTGGACCCCATGTACCAGTACTCCCT[T>C]GAGTGGTTTCTCAACATCTTCCTCTCGGGCATCGCCAACTCAGAGAGAGCAGGTAGCACC-3'
Protein context (NP_056327.4, residues 3464-3484): ANVDPMYQYS[Leu3474=]EWFLNIFLSG